The following is an entry in ClinVar:

NM_001122630.2(CDKN1C):c.454_455insTCGCGG (p.Pro151_Ala152insValAla)

Gene: CDKN1C (cyclin dependent kinase inhibitor 1C; minus strand). Cytogenetic location: 11p15.4.
Variant type: Insertion.
Coding change: c.454_455insTCGCGG on transcript NM_001122630.2 (MANE Select); coding-DNA positions 454 to 455, TCGCGG inserted.
Protein change: p.Pro151_Ala152insValAla.
Molecular consequence: inframe insertion. On other transcripts: intron variant (1).
Genome position: GRCh38 VCF-style: chr11-2885002-G-GCCGCGA. GRCh37 (hg19) VCF-style: chr11-2906232-G-GCCGCGA.
Other names: c.487_488insTCGCGG, p.Pro162_Ala163insValAla (NM_000076.2, NM_001362474.2); c.454_455insTCGCGG, p.Pro151_Ala152insValAla (NM_001122631.2); c.255+199_255+200insCGGTCG (NM_001362475.2).
Identifiers: ClinVar variation 3005776 (VCV003005776.3), dbSNP rs2494387601, ClinGen allele CA2574728704.

ClinVar aggregate classification (germline): Uncertain significance (1 of 4 stars; one submission).

Conditions:
Beckwith-Wiedemann syndrome (BWS). Also called: EMG SYNDROME; Exomphalos macroglossia gigantism syndrome. Identifiers: Orphanet 116, MedGen C0004903, MONDO:0007534, OMIM 130650.

Submission:

Labcorp Genetics (formerly Invitae), Labcorp
Classification: Uncertain significance for Beckwith-Wiedemann syndrome. Last evaluated: 2023-09-27. Review status: criteria provided, single submitter. Criteria: Invitae Variant Classification Sherloc (09022015). Collection method: clinical testing. Allele origin: germline.
Comment: This variant, c.487_488insTCGCGG, results in the insertion of 2 amino acid(s) of the CDKN1C protein (p.Pro162_Ala163insValAla), but otherwise preserves the integrity of the reading frame. In summary, the available evidence is currently insufficient to determine the role of this variant in disease. Therefore, it has been classified as a Variant of Uncertain Significance. Experimental studies and prediction algorithms are not available or were not evaluated, and the functional significance of this variant is currently unknown. This variant has not been reported in the literature in individuals affected with CDKN1C-related conditions. The frequency data for this variant in the population databases is considered unreliable, as metrics indicate insufficient coverage at this position in the gnomAD database.